The following is an entry in ClinVar:

NM_000455.5(STK11):c.348G>T (p.Val116=)

Gene: STK11 (serine/threonine kinase 11; plus strand). Cytogenetic location: 19p13.3.
Variant type: single nucleotide variant.
Coding change: c.348G>T on transcript NM_000455.5 (MANE Select); coding-DNA position 348, G replaced by T.
Protein change: p.Val116=; no amino-acid change (valine 116 retained).
Molecular consequence: synonymous variant.
Genome position (GRCh38, 1-based): chr19:1,218,474, G>T. VCF-style: chr19-1218474-G-T. GRCh37 (hg19) VCF-style: chr19-1218473-G-T.
Identifiers: ClinVar variation 412539 (VCV000412539.25), dbSNP rs774482643, ClinGen allele CA047158.
Genomic context (GRCh38, chr19:1,218,474, plus strand): 5'-CAGGGAAATTCAACTACTGAGGAGGTTACGGCACAAAAATGTCATCCAGCTGGTGGATGT[G>T]TTATACAACGAAGAGAAGCAGAAAATATATCCTTTCCGGTGTTGGGACCGCGGGGCCTCC-3'
Protein context (NP_000446.1, residues 106-126): RHKNVIQLVD[Val116=]LYNEEKQKMY

ClinVar aggregate classification (germline): Benign/Likely benign. Review status: criteria provided, multiple submitters, no conflicts (2 of 4 stars). 8 submissions from 8 submitters: Benign (1); Likely benign (6). 1 of the submissions does not count toward it. Last evaluated 2026-01-18.

Conditions:
Hereditary cancer-predisposing syndrome. Also called: Hereditary neoplastic syndrome; Neoplastic Syndromes, Hereditary; Tumor predisposition; Hereditary Cancer Syndrome. Identifiers: Orphanet 140162, MedGen C0027672, MeSH D009386, MONDO:0015356.
STK11-related disorder. Also called: STK11-related condition.
Peutz-Jeghers syndrome (PJS). Also called: POLYPOSIS, HAMARTOMATOUS INTESTINAL; POLYPS-AND-SPOTS SYNDROME; Peutz-Jeghers polyposis; Periorificial lentiginosis syndrome. Identifiers: Orphanet 2869, MedGen C0031269, MeSH D010580, MONDO:0008280, OMIM 175200.

Allele frequency attached by ClinVar (database versions not stated): TOPMed below 0.00001; ExAC 0.00001; gnomAD 0.00001; gnomAD exomes 0.00001 and 0.00002.
gnomAD v4.1: 5 of 1,613,552 alleles (0.00031%); highest among the groups gnomAD compares: Admixed American, 0.0083%; no homozygotes.

Submissions (8):

Labcorp Genetics (formerly Invitae), Labcorp
Classification: Likely benign for Peutz-Jeghers syndrome. Last evaluated: 2026-01-18. Review status: criteria provided, single submitter. Criteria: Invitae Variant Classification Sherloc (09022015). Collection method: clinical testing. Allele origin: germline.

Myriad Genetics, Inc.
Classification: Benign for Peutz-Jeghers syndrome. Last evaluated: 2025-03-25. Review status: criteria provided, single submitter. Criteria: Myriad Autosomal Dominant, Autosomal Recessive and X-Linked Classification Criteria (2023). Collection method: clinical testing. Allele origin: unknown.
Comment: This variant is considered benign. This variant is a silent/synonymous amino acid change and it is not expected to impact splicing.

Quest Diagnostics Nichols Institute San Juan Capistrano
Classification: Likely benign. Last evaluated: 2025-02-10. Review status: criteria provided, single submitter. Criteria: Quest Diagnostics criteria. Collection method: clinical testing. Allele origin: unknown.

All of Us Research Program, National Institutes of Health
Classification: Likely benign for Peutz-Jeghers syndrome. Last evaluated: 2024-08-13. Review status: criteria provided, single submitter. Criteria: ACMG Guidelines, 2015. Collection method: clinical testing. Allele origin: germline. Inheritance: Autosomal dominant inheritance. Observed: 4 variant alleles, 4 heterozygotes.
Comment: This study involves interpretation of variants in research participants for the purpose of population health screening. Participant phenotype was not available at the time of variant classification. Additional details can be found in publication PMID: 35346344, PMCID: PMC8962531

Genome-Nilou Lab
Classification: Likely benign for Peutz-Jeghers syndrome. Last evaluated: 2021-07-15. Review status: criteria provided, single submitter. Criteria: ACMG Guidelines, 2015. Collection method: clinical testing. Allele origin: germline. Affected: no.

Color Diagnostics, LLC DBA Color Health
Classification: Likely benign for Hereditary cancer-predisposing syndrome. Last evaluated: 2018-01-24. Review status: criteria provided, single submitter. Criteria: ACMG Guidelines, 2015. Collection method: clinical testing. Allele origin: germline.

Ambry Genetics
Classification: Likely benign for Hereditary cancer-predisposing syndrome. Last evaluated: 2016-11-18. Review status: criteria provided, single submitter. Criteria: Ambry Variant Classification Scheme 2023. Collection method: clinical testing. Allele origin: germline.

PreventionGenetics, part of Exact Sciences
Classification: Likely benign for STK11-related condition. Last evaluated: 2024-08-29. Review status: no assertion criteria provided. Collection method: clinical testing. Allele origin: germline. Not counted in ClinVar's aggregate classification.
Comment: This variant is classified as likely benign based on ACMG/AMP sequence variant interpretation guidelines (Richards et al. 2015 PMID: 25741868, with internal and published modifications).